The following is an entry in ClinVar:

ClinVar aggregate classification (germline): Conflicting classifications of pathogenicity. Review status: criteria provided, conflicting classifications (1 of 4 stars). 3 submissions from 3 submitters: Uncertain significance (2); Likely benign (1). Last evaluated 2025-11-07.

Conditions:
Adams-Oliver syndrome 5 (AOS5). Identifiers: Orphanet 974, MedGen C4014970, MONDO:0014459, OMIM 616028.
Familial thoracic aortic aneurysm and aortic dissection (TAAD). Also called: Thoracic aortic aneurysms and dissections. Identifiers: Orphanet 91387, MedGen C4707243, MONDO:0019625.

Allele frequency attached by ClinVar (database versions not stated): TOPMed 0.00001; gnomAD 0.00002; gnomAD exomes 0.00004.
gnomAD v4.1: 52 of 1,611,824 alleles (0.0032%); highest among the groups gnomAD compares: Non-Finnish European, 0.0044%; no homozygotes.

Submissions (3):

Ambry Genetics
Classification: Uncertain significance for Familial thoracic aortic aneurysm and aortic dissection. Last evaluated: 2025-11-07. Review status: criteria provided, single submitter. Criteria: Ambry Variant Classification Scheme 2023. Collection method: clinical testing. Allele origin: germline.
Comment: The p.L97F variant (also known as c.289C>T), located in coding exon 3 of the NOTCH1 gene, results from a C to T substitution at nucleotide position 289. The leucine at codon 97 is replaced by phenylalanine, an amino acid with highly similar properties. This amino acid position is conserved. In addition, this alteration is predicted to be tolerated by in silico analysis. Since supporting evidence is limited at this time, the clinical significance of this alteration remains unclear.

Labcorp Genetics (formerly Invitae), Labcorp
Classification: Likely benign for Adams-Oliver syndrome 5. Last evaluated: 2025-09-24. Review status: criteria provided, single submitter. Criteria: Invitae Variant Classification Sherloc (09022015). Collection method: clinical testing. Allele origin: germline.

GeneDx
Classification: Uncertain significance. Last evaluated: 2025-06-16. Review status: criteria provided, single submitter. Criteria: GeneDx Variant Classification Process June 2021. Collection method: clinical testing. Allele origin: germline.
Comment: Has not been previously published as pathogenic or benign to our knowledge; Not observed at significant frequency in large population cohorts (gnomAD); In silico analysis suggests that this missense variant does not alter protein structure/function

NM_017617.5(NOTCH1):c.289C>T (p.Leu97Phe)

Gene: NOTCH1 (notch receptor 1; minus strand). Cytogenetic location: 9q34.3.
Variant type: single nucleotide variant.
Coding change: c.289C>T on transcript NM_017617.5 (MANE Select); coding-DNA position 289, C replaced by T.
Protein change: p.Leu97Phe; replaces leucine 97 with phenylalanine.
Molecular consequence: missense variant.
Genome position (GRCh38, 1-based): chr9:136,523,831, G>A on the plus strand (C>T on the coding strand, the complement: NOTCH1 is on the minus strand). VCF-style: chr9-136523831-G-A. GRCh37 (hg19) VCF-style: chr9-139418283-G-A.
Other names: short protein forms L97F.
Identifiers: ClinVar variation 1797392 (VCV001797392.10), dbSNP rs1399662154, ClinGen allele CA375572801.